The following is an entry in ClinVar:

ClinVar aggregate classification (germline): Uncertain significance (1 of 4 stars; one submission).

Conditions:
Inborn genetic diseases. Identifiers: MedGen C0950123, MeSH D030342.

Submission:

Ambry Genetics
Classification: Uncertain significance for Inborn genetic diseases. Last evaluated: 2021-11-17. Review status: criteria provided, single submitter. Criteria: Ambry Variant Classification Scheme 2023. Collection method: clinical testing. Allele origin: germline.
Comment: The p.Y1984S variant (also known as c.5951A>C), located in coding exon 41 of the LRRK2 gene, results from an A to C substitution at nucleotide position 5951. The tyrosine at codon 1984 is replaced by serine, an amino acid with dissimilar properties. This amino acid position is conserved. In addition, this alteration is predicted to be deleterious by in silico analysis. Since supporting evidence is limited at this time, the clinical significance of this alteration remains unclear.

NM_198578.4(LRRK2):c.5951A>C (p.Tyr1984Ser)

Gene: LRRK2 (leucine rich repeat kinase 2; plus strand). Cytogenetic location: 12q12.
Variant type: single nucleotide variant.
Coding change: c.5951A>C on transcript NM_198578.4 (MANE Select); coding-DNA position 5951, A replaced by C.
Protein change: p.Tyr1984Ser; replaces tyrosine 1984 with serine.
Molecular consequence: missense variant.
Genome position (GRCh38, 1-based): chr12:40,340,296, A>C. VCF-style: chr12-40340296-A-C. GRCh37 (hg19) VCF-style: chr12-40734098-A-C.
Other names: short protein forms Y1984S.
Identifiers: ClinVar variation 1750688 (VCV001750688.2), dbSNP rs2499947694, ClinGen allele CA384403471.